The following is an entry in ClinVar:

NM_005573.4(LMNB1):c.451A>G (p.Thr151Ala)

Gene: LMNB1 (lamin B1; plus strand). Cytogenetic location: 5q23.2.
Variant type: single nucleotide variant.
Coding change: c.451A>G on transcript NM_005573.4 (MANE Select); coding-DNA position 451, A replaced by G.
Protein change: p.Thr151Ala; replaces threonine 151 with alanine.
Molecular consequence: missense variant. On other transcripts: 5 prime UTR variant (1), non-coding transcript variant (2).
Genome position (GRCh38, 1-based): chr5:126,804,867, A>G. VCF-style: chr5-126804867-A-G. GRCh37 (hg19) VCF-style: chr5-126140559-A-G.
Other names: c.-180A>G (NM_001198557.2); short protein forms T151A.
Identifiers: ClinVar variation 2907583 (VCV002907583.3), dbSNP rs1451129359, ClinGen allele CA360717011.

ClinVar aggregate classification (germline): Uncertain significance (1 of 4 stars; one submission).

Allele frequency attached by ClinVar (database versions not stated): TOPMed below 0.00001; gnomAD exomes 0.00001.
gnomAD v4.1: 12 of 1,614,140 alleles (0.00074%); highest among the groups gnomAD compares: Admixed American, 0.0017%; no homozygotes.

Submission:

Labcorp Genetics (formerly Invitae), Labcorp
Classification: Uncertain significance. Last evaluated: 2023-05-30. Review status: criteria provided, single submitter. Criteria: Invitae Variant Classification Sherloc (09022015). Collection method: clinical testing. Allele origin: germline.
Comment: In summary, the available evidence is currently insufficient to determine the role of this variant in disease. Therefore, it has been classified as a Variant of Uncertain Significance. An algorithm developed to predict the effect of missense changes on protein structure and function (PolyPhen-2) suggests that this variant is likely to be tolerated. This variant has not been reported in the literature in individuals affected with LMNB1-related conditions. This variant is present in population databases (no rsID available, gnomAD 0.007%). This sequence change replaces threonine, which is neutral and polar, with alanine, which is neutral and non-polar, at codon 151 of the LMNB1 protein (p.Thr151Ala).